The following is an entry in ClinVar:

NM_133636.5(HELQ):c.2776-8C>G

Gene: HELQ (helicase, POLQ like; minus strand). Cytogenetic location: 4q21.23.
Variant type: single nucleotide variant.
Coding change: c.2776-8C>G on transcript NM_133636.5 (MANE Select); 8 bases into the intron before coding-DNA position 2776, C replaced by G.
Molecular consequence: intron variant.
Genome position (GRCh38, 1-based): chr4:83,421,744, G>C on the plus strand (C>G on the coding strand, the complement: HELQ is on the minus strand). VCF-style: chr4-83421744-G-C. GRCh37 (hg19) VCF-style: chr4-84342897-G-C.
Other names: NC_000004.11:g.84342897G>C; c.2575-8C>G (NM_001297755.2); c.1144-8C>G (NM_001297757.2); c.1285-8C>G (NM_001297756.2).
Identifiers: ClinVar variation 3040053 (VCV003040053.3), dbSNP rs201729951, ClinGen allele CA2989380.

ClinVar aggregate classification (germline): Likely benign (0 of 4 stars; one submission).

Conditions:
HELQ-related disorder. Also called: HELQ-related condition.

Allele frequency attached by ClinVar (database versions not stated): gnomAD exomes 0.00011; ExAC 0.00032; 1000 Genomes Project 0.00080; gnomAD 0.00101; 1000 Genomes Project 30x 0.00109; TOPMed 0.00143; ESP Exome Variant Server 0.00177.
gnomAD v4.1: 317 of 1,608,546 alleles (0.02%); highest among the groups gnomAD compares: African/African-American, 0.38%; 1 homozygote.

Submissions (2):

PreventionGenetics, part of Exact Sciences
Classification: Likely benign for HELQ-related condition. Last evaluated: 2019-10-28. Review status: no assertion criteria provided. Collection method: clinical testing. Allele origin: germline.
Comment: This variant is classified as likely benign based on ACMG/AMP sequence variant interpretation guidelines (Richards et al. 2015 PMID: 25741868, with internal and published modifications).

Dr. Peter K. Rogan Lab, Western University
No classification provided (evidence only). Condition: Gastric cancer. Review status: no classification provided. Collection method: in vitro. Allele origin: not applicable. Functional consequence: retained intron. Not counted in ClinVar's aggregate classification.